The following is an entry in ClinVar:

NM_144599.5(NIPA1):c.*5044G>C

Gene: NIPA1 (NIPA magnesium transporter 1; plus strand). Cytogenetic location: 15q11.2.
Variant type: single nucleotide variant.
Coding change: c.*5044G>C on transcript NM_144599.5 (MANE Select); 5044 bases downstream of the stop codon, G replaced by C.
Molecular consequence: 3 prime UTR variant.
Genome position (GRCh38, 1-based): chr15:22,829,283, G>C. VCF-style: chr15-22829283-G-C. GRCh37 (hg19) VCF-style: chr15-23043785-C-G.
Other names: c.*5044G>C (NM_001142275.1).
Identifiers: ClinVar variation 886743 (VCV000886743.4), dbSNP rs191543264, ClinGen allele CA267611470.

ClinVar aggregate classification (germline): Benign (1 of 4 stars; one submission).

Conditions:
Hereditary spastic paraplegia 6 (SPG6). Also called: SPASTIC PARAPLEGIA 6, AUTOSOMAL DOMINANT. Identifiers: Orphanet 100988, MedGen C1838192, MONDO:0010878, OMIM 600363.

Allele frequency attached by ClinVar (database versions not stated): 1000 Genomes Project 30x 0.00234; 1000 Genomes Project 0.00240; gnomAD 0.00247 and 0.00270; TOPMed 0.00254.

Submission:

Illumina Laboratory Services, Illumina
Classification: Benign for Hereditary spastic paraplegia 6. Last evaluated: 2018-01-13. Review status: criteria provided, single submitter. Criteria: ICSL Variant Classification Criteria 13 December 2019. Collection method: clinical testing. Allele origin: germline.
Comment: This variant was observed in the ICSL laboratory as part of a predisposition screen in an ostensibly healthy population. It had not been previously curated by ICSL or reported in the Human Gene Mutation Database (HGMD: prior to June 1st, 2018), and was therefore a candidate for classification through an automated scoring system. Utilizing variant allele frequency, disease prevalence and penetrance estimates, and inheritance mode, an automated score was calculated to assess if this variant is too frequent to cause the disease. Based on the score and internal cut-off values, a variant classified as benign is not then subjected to further curation. The score for this variant resulted in a classification of benign for this disease.